The following is an entry in ClinVar:

NM_001110556.2(FLNA):c.4327C>G (p.His1443Asp)

Gene: FLNA (filamin A; minus strand). Cytogenetic location: Xq28.
Variant type: single nucleotide variant.
Coding change: c.4327C>G on transcript NM_001110556.2 (MANE Select); coding-DNA position 4327, C replaced by G.
Protein change: p.His1443Asp; replaces histidine 1443 with aspartic acid.
Molecular consequence: missense variant.
Genome position (GRCh38, 1-based): chrX:154,359,131, G>C on the plus strand (C>G on the coding strand, the complement: FLNA is on the minus strand). VCF-style: chrX-154359131-G-C. GRCh37 (hg19) VCF-style: chrX-153587499-G-C.
Other names: c.4327C>G, p.His1443Asp (NM_001456.4); short protein forms H1443D.
Identifiers: ClinVar variation 1721523 (VCV001721523.6), dbSNP rs863223617, ClinGen allele CA415217259.
Genomic context (GRCh38, chrX:154,359,131, plus strand): 5'-CCATGCCTGGGCTCAGGCCGGGCCCAGAGCACTTGACCTTGGACGCATCTGTCACATCAT[G>C]CACAGGGACCTTGAAAGGACTGCCTGAGGGTTGGGGCAAAGGGATGGCGGCTGTATGAGA-3'
Protein context (NP_001104026.1, residues 1433-1453): VPGSPFKVPV[His1443Asp]DVTDASKVKC

ClinVar aggregate classification (germline): Uncertain significance (1 of 4 stars; one submission).

Conditions:
Melnick-Needles syndrome (MNS). Also called: MELNICK-NEEDLES OSTEODYSPLASTY; OSTEODYSPLASTY OF MELNICK AND NEEDLES; Melnick-Needles Syndrome (FLNA-MNS). Identifiers: Orphanet 2484, MedGen C0025237, MONDO:0010650, OMIM 309350.
Heterotopia, periventricular, X-linked dominant (PVNH1). Also called: PERIVENTRICULAR NODULAR HETEROTOPIA 1; X-linked periventricular heterotopia; HETEROTOPIA, PERIVENTRICULAR, 1; PERIVENTRICULAR NODULAR HETEROTOPIA 4. Identifiers: Orphanet 2149, Orphanet 82004, MedGen C1848213, MONDO:0010233, OMIM 300049.
Oto-palato-digital syndrome, type II (OPD2). Also called: OPD II SYNDROME; Otopalatodigital Syndrome, Type II; FACIOPALATOOSSEOUS SYNDROME; Otopalatodigital Syndrome Type 2 (FLNA-OPD2). Identifiers: Orphanet 669, Orphanet 90652, MedGen C1844696, MONDO:0010571, OMIM 304120.
Frontometaphyseal dysplasia (FMD1). Identifiers: Orphanet 1826, MedGen C0265293, MONDO:0015942.

Submission:

Labcorp Genetics (formerly Invitae), Labcorp
Classification: Uncertain significance for Oto-palato-digital syndrome, type II; Heterotopia, periventricular, X-linked dominant; Frontometaphyseal dysplasia; Melnick-Needles syndrome. Last evaluated: 2022-11-28. Review status: criteria provided, single submitter. Criteria: Invitae Variant Classification Sherloc (09022015). Collection method: clinical testing. Allele origin: germline.
Comment: In summary, the available evidence is currently insufficient to determine the role of this variant in disease. Therefore, it has been classified as a Variant of Uncertain Significance. Algorithms developed to predict the effect of sequence changes on RNA splicing suggest that this variant may disrupt the consensus splice site. Advanced modeling of protein sequence and biophysical properties (such as structural, functional, and spatial information, amino acid conservation, physicochemical variation, residue mobility, and thermodynamic stability) performed at Invitae indicates that this missense variant is not expected to disrupt FLNA protein function. This variant has not been reported in the literature in individuals affected with FLNA-related conditions. This variant is not present in population databases (gnomAD no frequency). This sequence change replaces histidine, which is basic and polar, with aspartic acid, which is acidic and polar, at codon 1443 of the FLNA protein (p.His1443Asp).